The following is an entry in ClinVar:

NM_203447.4(DOCK8):c.1756A>G (p.Ile586Val)

Gene: DOCK8 (dedicator of cytokinesis 8; plus strand). Cytogenetic location: 9p24.3.
Variant type: single nucleotide variant.
Coding change: c.1756A>G on transcript NM_203447.4 (MANE Select); coding-DNA position 1756, A replaced by G.
Protein change: p.Ile586Val; replaces isoleucine 586 with valine.
Molecular consequence: missense variant.
Genome position (GRCh38, 1-based): chr9:368,094, A>G. VCF-style: chr9-368094-A-G. GRCh37 (hg19) VCF-style: chr9-368094-A-G.
Other names: c.1552A>G, p.Ile518Val (NM_001190458.2, NM_001193536.2); short protein forms I518V, I586V.
Identifiers: ClinVar variation 970644 (VCV000970644.10), dbSNP rs1396069970, ClinGen allele CA372759618.
Genomic context (GRCh38, chr9:368,094, plus strand): 5'-TACCCACAGAGGCTGAACTTTGTAAACAAACTAGCATCAGCCCGGAACATTACAATAAAG[A>G]TCCAGTTTATGTGTGGAGAAGATGCTAGCAATGCGATGCCGGTAAGGAGGGAAACGAACA-3'
Protein context (NP_982272.2, residues 576-596): LASARNITIK[Ile586Val]QFMCGEDASN

ClinVar aggregate classification (germline): Uncertain significance (1 of 4 stars; one submission).

Conditions:
Combined immunodeficiency due to DOCK8 deficiency (HIES2). Also called: HIES autosomal recessive; Hyper-IgE recurrent infection syndrome, autosomal recessive; DOCK8 Deficiency; HYPER-IgE RECURRENT INFECTION SYNDROME 2, AUTOSOMAL RECESSIVE; HYPER-IgE SYNDROME 2, AUTOSOMAL RECESSIVE, WITH RECURRENT INFECTIONS. Identifiers: Orphanet 217390, MedGen C4722305, MONDO:0009478, OMIM 243700.

Allele frequency attached by ClinVar (database versions not stated): gnomAD exomes below 0.00001 and 0.00001; TOPMed below 0.00001; gnomAD 0.00003.
gnomAD v4.1: 8 of 1,614,080 alleles (0.0005%); highest among the groups gnomAD compares: Admixed American, 0.01%; no homozygotes.

Submission:

Labcorp Genetics (formerly Invitae), Labcorp
Classification: Uncertain significance for Combined immunodeficiency due to DOCK8 deficiency. Last evaluated: 2019-11-05. Review status: criteria provided, single submitter. Criteria: Invitae Variant Classification Sherloc (09022015). Collection method: clinical testing. Allele origin: germline.
Comment: This sequence change replaces isoleucine with valine at codon 586 of the DOCK8 protein (p.Ile586Val). The isoleucine residue is highly conserved and there is a small physicochemical difference between isoleucine and valine. This variant is not present in population databases (ExAC no frequency). This variant has not been reported in the literature in individuals with DOCK8-related conditions. Algorithms developed to predict the effect of missense changes on protein structure and function output the following: SIFT: "Tolerated"; PolyPhen-2: "Benign"; Align-GVGD: "Class C0". The valine amino acid residue is found in multiple mammalian species, suggesting that this missense change does not adversely affect protein function. These predictions have not been confirmed by published functional studies and their clinical significance is uncertain. In summary, the available evidence is currently insufficient to determine the role of this variant in disease. Therefore, it has been classified as a Variant of Uncertain Significance.